The following is an entry in ClinVar:

NM_014423.4(AFF4):c.625C>T (p.Arg209Cys)

Gene: AFF4 (ALF transcription elongation factor 4; minus strand). Cytogenetic location: 5q31.1.
Variant type: single nucleotide variant.
Coding change: c.625C>T on transcript NM_014423.4 (MANE Select); coding-DNA position 625, C replaced by T.
Protein change: p.Arg209Cys; replaces arginine 209 with cysteine.
Molecular consequence: missense variant.
Genome position (GRCh38, 1-based): chr5:132,934,440, G>A on the plus strand (C>T on the coding strand, the complement: AFF4 is on the minus strand). VCF-style: chr5-132934440-G-A. GRCh37 (hg19) VCF-style: chr5-132270132-G-A.
Other names: short protein forms R209C.
Identifiers: ClinVar variation 4998495 (VCV004998495.1).

ClinVar aggregate classification (germline): Uncertain significance (1 of 4 stars; one submission).

Conditions:
AFF4-related disorder. Also called: AFF4-related condition.

Submission:

PreventionGenetics, part of Exact Sciences
Classification: Uncertain significance for AFF4-related condition. Last evaluated: 2024-12-03. Review status: criteria provided, single submitter. Criteria: ACMG Guidelines, 2015. Collection method: clinical testing. Allele origin: germline.
Comment: The AFF4 c.625C>T variant is predicted to result in the amino acid substitution p.Arg209Cys. To our knowledge, this variant has not been reported in the literature. This variant is reported in 0.0065% of alleles in individuals of South Asian descent in gnomAD. At this time, the clinical significance of this variant is uncertain due to the absence of conclusive functional and genetic evidence.